The following is an entry in ClinVar:

ClinVar aggregate classification (germline): Conflicting classifications of pathogenicity. Review status: criteria provided, conflicting classifications (1 of 4 stars). 8 submissions from 8 submitters: Uncertain significance (6); Likely benign (1). 1 of the submissions does not count toward it. Last evaluated 2025-07-30.

Conditions:
Hereditary cancer-predisposing syndrome. Also called: Hereditary neoplastic syndrome; Neoplastic Syndromes, Hereditary; Tumor predisposition; Hereditary Cancer Syndrome. Identifiers: Orphanet 140162, MedGen C0027672, MeSH D009386, MONDO:0015356.
Familial cancer of breast. Also called: BREAST CANCER, FAMILIAL; Hereditary breast cancer; hereditary breast carcinoma. Identifiers: Orphanet 227535, MedGen C0346153, MONDO:0016419, OMIM 114480. Disease mechanism: loss of function.
Ataxia-telangiectasia syndrome (AT). Also called: LOUIS-BAR SYNDROME; Cerebello-oculocutaneous telangiectasia; Immunodeficiency with ataxia telangiectasia; AT, COMPLEMENTATION GROUP C; Ataxia-telangiectasia, complementation group D; ATAXIA-TELANGIECTASIA, COMPLEMENTATION GROUP A. Identifiers: Orphanet 100, MedGen C0004135, MONDO:0008840, OMIM 208900.

Allele frequency attached by ClinVar (database versions not stated): gnomAD exomes below 0.00001 and 0.00001; ExAC 0.00002.
gnomAD v4.1: 4 of 1,613,766 alleles (0.00025%); highest among the groups gnomAD compares: Admixed American, 0.0017%; no homozygotes.

Submissions (8):

Labcorp Genetics (formerly Invitae), Labcorp
Classification: Uncertain significance for Ataxia-telangiectasia syndrome. Last evaluated: 2025-07-30. Review status: criteria provided, single submitter. Criteria: Invitae Variant Classification Sherloc (09022015). Collection method: clinical testing. Allele origin: germline.
Comment: This sequence change replaces cysteine, which is neutral and slightly polar, with arginine, which is basic and polar, at codon 219 of the ATM protein (p.Cys219Arg). This variant is present in population databases (rs771685059, gnomAD 0.003%). This missense change has been observed in individual(s) with ATM-related conditions (PMID: 32957588). ClinVar contains an entry for this variant (Variation ID: 482726). Invitae Evidence Modeling of protein sequence and biophysical properties (such as structural, functional, and spatial information, amino acid conservation, physicochemical variation, residue mobility, and thermodynamic stability) indicates that this missense variant is not expected to disrupt ATM protein function with a negative predictive value of 95%. In summary, the available evidence is currently insufficient to determine the role of this variant in disease. Therefore, it has been classified as a Variant of Uncertain Significance.

Ambry Genetics
Classification: Likely benign for Hereditary cancer-predisposing syndrome. Last evaluated: 2024-10-17. Review status: criteria provided, single submitter. Criteria: Ambry Variant Classification Scheme 2023. Collection method: clinical testing. Allele origin: germline.

Color Diagnostics, LLC DBA Color Health
Classification: Uncertain significance for Hereditary cancer-predisposing syndrome. Last evaluated: 2024-05-08. Review status: criteria provided, single submitter. Criteria: ACMG Guidelines, 2015. Collection method: clinical testing. Allele origin: germline.
Comment: This missense variant replaces cysteine with arginine at codon 219 of the ATM protein. Computational prediction suggests that this variant may not impact protein structure and function. To our knowledge, functional studies have not been reported for this variant. This variant has been reported in an individual affected with ovarian cancer (PMID: 32957588). In a large international case-control meta-analysis, this variant was reported in 2/60464 breast cancer cases and 0/53461 controls (OR=3.537, 95%CI 0.159 to 78.433, p-value=0.502; PMID: 33471991). This variant has been identified in 2/251148 chromosomes in the general population by the Genome Aggregation Database (gnomAD). The available evidence is insufficient to determine the role of this variant in disease conclusively. Therefore, this variant is classified as a Variant of Uncertain Significance.

Department of Pathology and Laboratory Medicine, Sinai Health System
Classification: Uncertain significance for Familial cancer of breast. Last evaluated: 2021-06-21. Review status: criteria provided, single submitter. Criteria: ACMG Guidelines, 2015. Collection method: clinical testing. Allele origin: germline. Affected: yes.

GeneDx
Classification: Uncertain significance. Last evaluated: 2019-11-01. Review status: criteria provided, single submitter. Criteria: GeneDx Variant Classification Process June 2021. Collection method: clinical testing. Allele origin: germline. Affected: yes.
Comment: Not observed at a significant frequency in large population cohorts (Lek 2016); In silico analysis, which includes protein predictors and evolutionary conservation, supports that this variant does not alter protein structure/function; Observed in the heterozygous state in one healthy control and in no cases in a study of chronic lymphocytic leukemia (Tiao 2017); This variant is associated with the following publications: (PMID: 28652578)

Mendelics
Classification: Uncertain significance for Ataxia-telangiectasia syndrome. Last evaluated: 2018-07-02. Review status: criteria provided, single submitter. Criteria: Mendelics Assertion Criteria 2017. Collection method: clinical testing. Allele origin: unknown.

Women's Health and Genetics/Laboratory Corporation of America, LabCorp
Classification: Uncertain significance. Last evaluated: 2018-03-23. Review status: criteria provided, single submitter. Criteria: LabCorp Variant Classification Summary - May 2015. Collection method: clinical testing. Allele origin: germline.
Comment: Variant summary: ATM c.655T>C (p.Cys219Arg) results in a non-conservative amino acid change in the encoded protein sequence. Four of five in-silico tools predict a benign effect of the variant on protein function. The variant was observed with an allele frequency of 8.1e-06 in 246000 control chromosomes (gnomAD). This frequency is not significantly higher than expected for a pathogenic variant in ATM causing Ataxia-Telangiectasia (8.1e-06 vs 4.00e-03), allowing no conclusion about variant significance. To our knowledge, no occurrence of c.655T>C in individuals affected with Ataxia-Telangiectasia and no experimental evidence demonstrating its impact on protein function have been reported. A ClinVar submission from a clinical diagnostic laboratory (evaluation after 2014) cites the variant as "uncertain significance." Based on the evidence outlined above, the variant was classified as uncertain significance.

Natera, Inc.
Classification: Uncertain significance for Ataxia-telangiectasia. Last evaluated: 2020-09-16. Review status: no assertion criteria provided. Collection method: clinical testing. Allele origin: germline. Not counted in ClinVar's aggregate classification.

Literature cited by the submitters: PubMed 32957588 (cited by Labcorp Genetics (formerly Invitae), Labcorp and Color Diagnostics, LLC DBA Color Health).

NM_000051.4(ATM):c.655T>C (p.Cys219Arg)

Gene: ATM (ATM serine/threonine kinase; plus strand). Cytogenetic location: 11q22.3.
Variant type: single nucleotide variant.
Coding change: c.655T>C on transcript NM_000051.4 (MANE Select); coding-DNA position 655, T replaced by C.
Protein change: p.Cys219Arg; replaces cysteine 219 with arginine.
Molecular consequence: missense variant.
Genome position (GRCh38, 1-based): chr11:108,244,111, T>C. VCF-style: chr11-108244111-T-C. GRCh37 (hg19) VCF-style: chr11-108114838-T-C.
Other names: c.655T>C, p.Cys219Arg (NM_001351834.2); short protein forms C219R.
Identifiers: ClinVar variation 482726 (VCV000482726.23), dbSNP rs771685059, ClinGen allele CA6264641.